The following is an entry in ClinVar:

ClinVar aggregate classification (germline): Likely benign. Review status: criteria provided, multiple submitters, no conflicts (2 of 4 stars). 2 submissions from 2 submitters: Likely benign (2). Last evaluated 2025-09-29.

Submissions (2):

Mayo Clinic Laboratories, Mayo Clinic
Classification: Likely benign. Last evaluated: 2025-09-29. Review status: criteria provided, single submitter. Criteria: ACMG Guidelines, 2015. Collection method: clinical testing. Allele origin: germline. Observed: 1 variant allele.
Comment: BP4, BP7

Molecular Diagnostic Laboratory for Inherited Cardiovascular Disease, Montreal Heart Institute
Classification: Likely benign. Last evaluated: 2025-04-09. Review status: criteria provided, single submitter. Criteria: ACMG Guidelines, 2015. Collection method: clinical testing. Allele origin: germline. Affected: no.

NM_001010874.5(TECRL):c.*5del (p.Ter364=)

Gene: TECRL (trans-2,3-enoyl-CoA reductase like; minus strand). Cytogenetic location: 4q13.1.
Variant type: Deletion.
Coding change: c.*5del on transcript NM_001010874.5 (MANE Select); 5 bases downstream of the stop codon, one base deleted (A; older notation c.*5delA).
Protein change: p.Ter364=.
Molecular consequence: no sequence alteration. On other transcripts: intron variant (1).
Genome position (GRCh38, 1-based): chr4:64,280,067, T deleted on the plus strand (A on the coding strand, the reverse complement: TECRL is on the minus strand); the first of 7 consecutive T bases (chr4:64,280,067-64,280,073); deleting any one gives the same sequence. VCF-style (leftmost placement, unchanged base first): chr4-64280066-CT-C. GRCh37 (hg19) VCF-style: chr4-65145784-CT-C.
Other names: c.964+974del (NM_001363796.1).
Identifiers: ClinVar variation 3894750 (VCV003894750.2), dbSNP rs745969657.
Genomic context (GRCh38, chr4:64,280,066, plus strand): 5'-CCTTAACTAAGTCTTATTTATTGAATTTATATGTTGCTGTTTTCTATAGGAGATAAGATT[CT>C]TTTTTTACAATATGAATGGAATCATTGCTGATTTTCTATGAATATATGAATTGAATTTTC-3'